The following is an entry in ClinVar:

NM_000722.4(CACNA2D1):c.-5C>T

Gene: CACNA2D1 (calcium voltage-gated channel auxiliary subunit alpha2delta 1; minus strand). Cytogenetic location: 7q21.11.
Variant type: single nucleotide variant.
Coding change: c.-5C>T on transcript NM_000722.4 (MANE Select); 5 bases upstream of the start codon, C replaced by T.
Molecular consequence: 5 prime UTR variant.
Genome position (GRCh38, 1-based): chr7:82,443,464, G>A on the plus strand (C>T on the coding strand, the complement: CACNA2D1 is on the minus strand). VCF-style: chr7-82443464-G-A. GRCh37 (hg19) VCF-style: chr7-82072780-G-A.
Other names: c.-5C>T (NM_001302890.2, NM_001366867.1).
Identifiers: ClinVar variation 3232273 (VCV003232273.1), dbSNP rs775722585, ClinGen allele CA4318514.
Genomic context (GRCh38, chr7:82,443,464, plus strand): 5'-ATGAGCAAAGATTGGAAAAGTGTCAGAGTCAAGGCCAGCAGGCAGCCAGCAGCCATCTTC[G>A]CGATCGAAGATCAATGCCCCCTCCCTGCCCAAGCGGGGGAAGGAGCGGCGCTGGAAACCG-3'

ClinVar aggregate classification (germline): Uncertain significance (1 of 4 stars; one submission).

Conditions:
Cardiovascular phenotype. Identifiers: MedGen CN230736.

Allele frequency attached by ClinVar (database versions not stated): ExAC 0.00002.
gnomAD v4.1: 2 of 1,607,042 alleles (0.00012%); highest among the groups gnomAD compares: South Asian, 0.0011%; no homozygotes.

Submission:

Ambry Genetics
Classification: Uncertain significance for Cardiovascular phenotype. Last evaluated: 2023-10-02. Review status: criteria provided, single submitter. Criteria: Ambry Variant Classification Scheme 2023. Collection method: clinical testing. Allele origin: germline.
Comment: The c.-5C>T variant is located in the 5' untranslated region (5&rsquo; UTR) of the CACNA2D1 gene. This variant results from a C to T substitution 5 bases upstream from the first translated codon. This nucleotide position is well conserved in available vertebrate species. The evidence for this gene-disease relationship is limited; therefore, the clinical significance of this alteration is unclear.